The following is an entry in ClinVar:

ClinVar aggregate classification (germline): Uncertain significance (1 of 4 stars; one submission).

Conditions:
Lipoic acid synthetase deficiency. Also called: HYPERGLYCINEMIA, LACTIC ACIDOSIS, AND SEIZURES. Identifiers: Orphanet 401859, MedGen C3280887, MONDO:0013762, OMIM 614462.

Allele frequency attached by ClinVar (database versions not stated): gnomAD exomes 0.00001.
gnomAD v4.1: 11 of 1,556,356 alleles (0.00071%); highest among the groups gnomAD compares: Non-Finnish European, 0.00096%; no homozygotes.

Submission:

Labcorp Genetics (formerly Invitae), Labcorp
Classification: Uncertain significance for Lipoic acid synthetase deficiency. Last evaluated: 2022-07-12. Review status: criteria provided, single submitter. Criteria: Invitae Variant Classification Sherloc (09022015). Collection method: clinical testing. Allele origin: germline.
Comment: This sequence change replaces arginine, which is basic and polar, with tryptophan, which is neutral and slightly polar, at codon 98 of the LIAS protein (p.Arg98Trp). The frequency data for this variant in the population databases is considered unreliable, as metrics indicate poor data quality at this position in the gnomAD database. This variant has not been reported in the literature in individuals affected with LIAS-related conditions. ClinVar contains an entry for this variant (Variation ID: 206045). Algorithms developed to predict the effect of missense changes on protein structure and function (SIFT, PolyPhen-2, Align-GVGD) all suggest that this variant is likely to be disruptive. In summary, the available evidence is currently insufficient to determine the role of this variant in disease. Therefore, it has been classified as a Variant of Uncertain Significance.

NM_006859.4(LIAS):c.292C>T (p.Arg98Trp)

Gene: LIAS (lipoic acid synthetase; plus strand). Cytogenetic location: 4p14.
Variant type: single nucleotide variant.
Coding change: c.292C>T on transcript NM_006859.4 (MANE Select); coding-DNA position 292, C replaced by T.
Protein change: p.Arg98Trp; replaces arginine 98 with tryptophan.
Molecular consequence: missense variant. On other transcripts: intron variant (2).
Genome position (GRCh38, 1-based): chr4:39,462,269, C>T. VCF-style: chr4-39462269-C-T. GRCh37 (hg19) VCF-style: chr4-39463889-C-T.
Other names: c.292C>T, p.Arg98Trp (NM_001278590.2, NM_001278591.2, NM_194451.3); c.219-1256C>T (NM_001363700.2, NM_001278592.2); short protein forms R98W.
Identifiers: ClinVar variation 206045 (VCV000206045.8), dbSNP rs796052702, ClinGen allele CA315751.